The following is an entry in ClinVar:

NM_004870.4(MPDU1):c.652G>T (p.Val218Leu)

Gene: MPDU1 (mannose-P-dolichol utilization defect 1; plus strand). Cytogenetic location: 17p13.1.
Variant type: single nucleotide variant.
Coding change: c.652G>T on transcript NM_004870.4 (MANE Select); coding-DNA position 652, G replaced by T.
Protein change: p.Val218Leu; replaces valine 218 with leucine.
Molecular consequence: missense variant. On other transcripts: 3 prime UTR variant (1), non-coding transcript variant (1).
Genome position (GRCh38, 1-based): chr17:7,587,459, G>T. VCF-style: chr17-7587459-G-T. GRCh37 (hg19) VCF-style: chr17-7490777-G-T.
Other names: c.*15G>T (NM_001330073.1); short protein forms V218L.
Identifiers: ClinVar variation 703364 (VCV000703364.14), dbSNP rs142953652, ClinGen allele CA8353030.
Genomic context (GRCh38, chr17:7,587,459, plus strand): 5'-AACCCTGGCTCTGTCTCTTGCAACCAGGAAACCGGAGATCCCCTGATGGCTGGGACCTTT[G>T]TGGTCTCCTCTCTCTGCAACGGCCTCATCGCCGCCCAGCTGCTCTTCTACTGGAATGCAA-3'
Protein context (NP_004861.2, residues 208-228): TGDPLMAGTF[Val218Leu]VSSLCNGLIA

ClinVar aggregate classification (germline): Benign/Likely benign. Review status: criteria provided, multiple submitters, no conflicts (2 of 4 stars). 2 submissions from 2 submitters: Benign (1); Likely benign (1). Last evaluated 2025-08-15.

Conditions:
MPDU1-congenital disorder of glycosylation. Also called: CONGENITAL DISORDER OF GLYCOSYLATION, TYPE If; CDG If; MPDU1-CDG. Identifiers: Orphanet 79323, MedGen C1836669, MONDO:0012211, OMIM 609180.

Allele frequency attached by ClinVar (database versions not stated): gnomAD 0.00002 and 0.00049; ESP Exome Variant Server 0.00008; TOPMed 0.00013; 1000 Genomes Project 0.00319; gnomAD exomes 0.00174; ExAC 0.00205; 1000 Genomes Project 30x 0.00297.
gnomAD v4.1: 1,309 of 1,613,872 alleles (0.081%); highest among the groups gnomAD compares: South Asian, 1.3%; 26 homozygotes.

Submissions (2):

Labcorp Genetics (formerly Invitae), Labcorp
Classification: Benign for MPDU1-congenital disorder of glycosylation. Last evaluated: 2025-08-15. Review status: criteria provided, single submitter. Criteria: Invitae Variant Classification Sherloc (09022015). Collection method: clinical testing. Allele origin: germline.

Illumina Laboratory Services, Illumina
Classification: Likely benign for MPDU1-congenital disorder of glycosylation. Last evaluated: 2018-01-13. Review status: criteria provided, single submitter. Criteria: ICSL Variant Classification Criteria 13 December 2019. Collection method: clinical testing. Allele origin: germline.
Comment: This variant was observed in the ICSL laboratory as part of a predisposition screen in an ostensibly healthy population. It had not been previously curated by ICSL or reported in the Human Gene Mutation Database (HGMD: prior to June 1st, 2018), and was therefore a candidate for classification through an automated scoring system. Utilizing variant allele frequency, disease prevalence and penetrance estimates, and inheritance mode, an automated score was calculated to assess if this variant is too frequent to cause the disease. Based on the score and internal cut-off values, a variant classified as likely benign is not then subjected to further curation. The score for this variant resulted in a classification of likely benign for this disease.